The following is an entry in ClinVar:

NM_020708.5(SLC12A5):c.2805T>C (p.Asp935=)

Gene: SLC12A5 (solute carrier family 12 member 5; plus strand). Cytogenetic location: 20q13.12.
Variant type: single nucleotide variant.
Coding change: c.2805T>C on transcript NM_020708.5 (MANE Select); coding-DNA position 2805, T replaced by C.
Protein change: p.Asp935=; no amino-acid change (aspartic acid 935 retained).
Molecular consequence: synonymous variant.
Genome position (GRCh38, 1-based): chr20:46,056,167, T>C. VCF-style: chr20-46056167-T-C. GRCh37 (hg19) VCF-style: chr20-44684806-T-C.
Other names: p.Asp935=; c.2874T>C, p.Asp958= (NM_001134771.2).
Identifiers: ClinVar variation 767052 (VCV000767052.32), dbSNP rs151293924, ClinGen allele CA9887712.

ClinVar aggregate classification (germline): Benign/Likely benign. Review status: criteria provided, multiple submitters, no conflicts (2 of 4 stars). 5 submissions from 5 submitters: Benign (2); Likely benign (2). 1 of the submissions does not count toward it. Last evaluated 2026-02-02.

Conditions:
Developmental and epileptic encephalopathy, 34 (DEE34). Also called: Early infantile epileptic encephalopathy 34; SLC12A5-Related Epilepsy of Infancy with Migrating Focal Seizures. Identifiers: Orphanet 293181, MedGen C4225257, MONDO:0014718, OMIM 616645.
SLC12A5-related disorder. Also called: SLC12A5-related condition.

Allele frequency attached by ClinVar (database versions not stated): gnomAD exomes 0.00048; ExAC 0.00060; 1000 Genomes Project 30x 0.00125; 1000 Genomes Project 0.00140; gnomAD 0.00174 and 0.00186; ESP Exome Variant Server 0.00185; TOPMed 0.00199.
gnomAD v4.1: 533 of 1,614,100 alleles (0.033%); highest among the groups gnomAD compares: African/African-American, 0.61%; 2 homozygotes.

Submissions (5):

Labcorp Genetics (formerly Invitae), Labcorp
Classification: Benign for Developmental and epileptic encephalopathy, 34. Last evaluated: 2026-02-02. Review status: criteria provided, single submitter. Criteria: Invitae Variant Classification Sherloc (09022015). Collection method: clinical testing. Allele origin: germline.

Mayo Clinic Laboratories, Mayo Clinic
Classification: Benign. Last evaluated: 2024-11-22. Review status: criteria provided, single submitter. Criteria: ACMG Guidelines, 2015. Collection method: clinical testing. Allele origin: germline. Observed: 1 variant allele.
Comment: BA1

CeGaT Center for Human Genetics Tuebingen
Classification: Likely benign. Last evaluated: 2024-06-01. Review status: criteria provided, single submitter. Criteria: CeGaT Center For Human Genetics Tuebingen Variant Classification Criteria Version 2. Collection method: clinical testing. Allele origin: germline. Affected: yes. Observed: 1 variant allele.
Comment: SLC12A5: BP4, BP7

Blueprint Genetics
Classification: Likely benign. Last evaluated: 2023-09-19. Review status: criteria provided, single submitter. Criteria: ACMG Guidelines, 2015. Collection method: clinical testing. Allele origin: germline.

PreventionGenetics, part of Exact Sciences
Classification: Likely benign for SLC12A5-related condition. Last evaluated: 2019-08-12. Review status: no assertion criteria provided. Collection method: clinical testing. Allele origin: germline. Not counted in ClinVar's aggregate classification.
Comment: This variant is classified as likely benign based on ACMG/AMP sequence variant interpretation guidelines (Richards et al. 2015 PMID: 25741868, with internal and published modifications).